The following is an entry in ClinVar:

NM_003924.4(PHOX2B):c.698G>C (p.Gly233Ala)

Gene: PHOX2B (paired like homeobox 2B; minus strand). Cytogenetic location: 4p13.
Variant type: single nucleotide variant.
Coding change: c.698G>C on transcript NM_003924.4 (MANE Select); coding-DNA position 698, G replaced by C.
Protein change: p.Gly233Ala; replaces glycine 233 with alanine.
Molecular consequence: missense variant.
Genome position (GRCh38, 1-based): chr4:41,746,054, C>G on the plus strand (G>C on the coding strand, the complement: PHOX2B is on the minus strand). VCF-style: chr4-41746054-C-G. GRCh37 (hg19) VCF-style: chr4-41748071-C-G.
Other names: short protein forms G233A.
Identifiers: ClinVar variation 2758430 (VCV002758430.3), dbSNP rs2552096832, ClinGen allele CA356737354.

ClinVar aggregate classification (germline): Uncertain significance (1 of 4 stars; one submission).

Conditions:
Haddad syndrome (OHD). Also called: Ondine-Hirschsprung disease. Identifiers: Orphanet 99803, MedGen C1859049, MONDO:0020493.

Submission:

Labcorp Genetics (formerly Invitae), Labcorp
Classification: Uncertain significance for Haddad syndrome. Last evaluated: 2023-09-06. Review status: criteria provided, single submitter. Criteria: Invitae Variant Classification Sherloc (09022015). Collection method: clinical testing. Allele origin: germline.
Comment: This sequence change replaces glycine, which is neutral and non-polar, with alanine, which is neutral and non-polar, at codon 233 of the PHOX2B protein (p.Gly233Ala). In summary, the available evidence is currently insufficient to determine the role of this variant in disease. Therefore, it has been classified as a Variant of Uncertain Significance. Advanced modeling of protein sequence and biophysical properties (such as structural, functional, and spatial information, amino acid conservation, physicochemical variation, residue mobility, and thermodynamic stability) performed at Invitae indicates that this missense variant is not expected to disrupt PHOX2B protein function. This variant has not been reported in the literature in individuals affected with PHOX2B-related conditions. This variant is not present in population databases (gnomAD no frequency).